The following is an entry in ClinVar:

NM_020987.5(ANK3):c.4529C>T (p.Pro1510Leu)

Gene: ANK3 (ankyrin 3; minus strand). Cytogenetic location: 10q21.2.
Variant type: single nucleotide variant.
Coding change: c.4529C>T on transcript NM_020987.5 (MANE Select); coding-DNA position 4529, C replaced by T.
Protein change: p.Pro1510Leu; replaces proline 1510 with leucine.
Molecular consequence: missense variant. On other transcripts: intron variant (4).
Genome position (GRCh38, 1-based): chr10:60,076,352, G>A on the plus strand (C>T on the coding strand, the complement: ANK3 is on the minus strand). VCF-style: chr10-60076352-G-A. GRCh37 (hg19) VCF-style: chr10-61836110-G-A.
Other names: c.4387+4185C>T (NM_001204403.2); c.4408+4185C>T (NM_001204404.2); c.4405+4185C>T (NM_001320874.2); c.1807+4185C>T (NM_001149.4); short protein forms P1510L.
Identifiers: ClinVar variation 2957289 (VCV002957289.3), dbSNP rs779177678, ClinGen allele CA5512162.

ClinVar aggregate classification (germline): Uncertain significance (1 of 4 stars; one submission).

Allele frequency attached by ClinVar (database versions not stated): TOPMed below 0.00001; gnomAD 0.00001; ExAC 0.00002; gnomAD exomes 0.00003.
gnomAD v4.1: 50 of 1,613,914 alleles (0.0031%); highest among the groups gnomAD compares: Non-Finnish European, 0.004%; no homozygotes.

Submission:

Labcorp Genetics (formerly Invitae), Labcorp
Classification: Uncertain significance. Last evaluated: 2023-07-27. Review status: criteria provided, single submitter. Criteria: Invitae Variant Classification Sherloc (09022015). Collection method: clinical testing. Allele origin: germline.
Comment: In summary, the available evidence is currently insufficient to determine the role of this variant in disease. Therefore, it has been classified as a Variant of Uncertain Significance. Advanced modeling of protein sequence and biophysical properties (such as structural, functional, and spatial information, amino acid conservation, physicochemical variation, residue mobility, and thermodynamic stability) performed at Invitae indicates that this missense variant is expected to disrupt ANK3 protein function. This variant has not been reported in the literature in individuals affected with ANK3-related conditions. This variant is present in population databases (rs779177678, gnomAD 0.006%). This sequence change replaces proline, which is neutral and non-polar, with leucine, which is neutral and non-polar, at codon 1510 of the ANK3 protein (p.Pro1510Leu).